The following is an entry in ClinVar:

ClinVar aggregate classification (germline): Uncertain significance. Review status: criteria provided, multiple submitters, no conflicts (2 of 4 stars). 4 submissions from 4 submitters: Uncertain significance (4). Last evaluated 2026-03-31.

Conditions:
PLEC-related disorder. Also called: PLEC-related condition; PLEC-related disorders.
Epidermolysis bullosa simplex 5B, with muscular dystrophy (EBS5B). Also called: EPIDERMOLYSIS BULLOSA SIMPLEX AND LIMB-GIRDLE MUSCULAR DYSTROPHY; Epidermolysis bullosa simplex with muscular dystrophy. Identifiers: Orphanet 257, MedGen C2931072, MONDO:0009181, OMIM 226670.
Epidermolysis bullosa simplex, Ogna type (EBS5A). Also called: Pidermolysis bullosa simplex 5A, Ogna type; EPIDERMOLYSIS BULLOSA SIMPLEX 5A, OGNA TYPE. Identifiers: Orphanet 79401, MedGen C0432317, MONDO:0007555, OMIM 131950.
Autosomal recessive limb-girdle muscular dystrophy type 2Q (LGMDR17). Also called: MUSCULAR DYSTROPHY, LIMB-GIRDLE, AUTOSOMAL RECESSIVE 17. Identifiers: Orphanet 254361, MedGen C3150989, MONDO:0013390, OMIM 613723.
Epidermolysis bullosa simplex with nail dystrophy (EBS5D). Identifiers: MedGen C4225309, MONDO:0014661, OMIM 616487.
Epidermolysis bullosa simplex 5C, with pyloric atresia (EBS5C). Also called: PLEC-Related Epidermolysis Bullosa with Pyloric Atresia; Epidermolysis bullosa simplex with pyloric atresia; PLEC1-Related Epidermolysis Bullosa with Pyloric Atresia. Identifiers: Orphanet 158684, MedGen C2677349, MONDO:0012807, OMIM 612138.
Inborn genetic diseases. Identifiers: MedGen C0950123, MeSH D030342.

Allele frequency attached by ClinVar (database versions not stated): ExAC 0.00002; gnomAD exomes 0.00003; TOPMed 0.00007; ESP Exome Variant Server 0.00008; gnomAD 0.00009.
gnomAD v4.1: 55 of 1,612,690 alleles (0.0034%); highest among the groups gnomAD compares: African/African-American, 0.0067%; no homozygotes.

Submissions (4):

PreventionGenetics, part of Exact Sciences
Classification: Uncertain significance for PLEC-related condition. Last evaluated: 2026-03-31. Review status: criteria provided, single submitter. Criteria: ACMG Guidelines, 2015. Collection method: clinical testing. Allele origin: germline.
Comment: The PLEC c.874G>A variant is predicted to result in the amino acid substitution p.Val292Met. To our knowledge, this variant has not been reported in the literature. This variant is reported in 0.012% of alleles in individuals of African descent in gnomAD. At this time, the clinical significance of this variant is uncertain due to the absence of conclusive functional and genetic evidence.

Ambry Genetics
Classification: Uncertain significance for Inborn genetic diseases. Last evaluated: 2025-11-12. Review status: criteria provided, single submitter. Criteria: Ambry Variant Classification Scheme 2023. Collection method: clinical testing. Allele origin: germline.

Labcorp Genetics (formerly Invitae), Labcorp
Classification: Uncertain significance for Autosomal recessive limb-girdle muscular dystrophy type 2Q; Epidermolysis bullosa simplex, Ogna type; Epidermolysis bullosa simplex with nail dystrophy; Epidermolysis bullosa simplex 5C, with pyloric atresia; Epidermolysis bullosa simplex 5B, with muscular dystrophy. Last evaluated: 2025-10-11. Review status: criteria provided, single submitter. Criteria: Invitae Variant Classification Sherloc (09022015). Collection method: clinical testing. Allele origin: germline.
Comment: This sequence change replaces valine, which is neutral and non-polar, with methionine, which is neutral and non-polar, at codon 292 of the PLEC protein (p.Val292Met). This variant is present in population databases (rs376947863, gnomAD 0.01%). This variant has not been reported in the literature in individuals affected with PLEC-related conditions. ClinVar contains an entry for this variant (Variation ID: 199024). Experimental studies and prediction algorithms are not available or were not evaluated, and the functional significance of this variant is currently unknown. In summary, the available evidence is currently insufficient to determine the role of this variant in disease. Therefore, it has been classified as a Variant of Uncertain Significance.

Eurofins Ntd Llc (ga)
Classification: Uncertain significance. Last evaluated: 2015-03-23. Review status: criteria provided, single submitter. Criteria: EGL Classification Definitions 2015. Collection method: clinical testing. Allele origin: germline. Observed: 1 variant allele, 1 heterozygote.

NM_201384.3(PLEC):c.793G>A (p.Val265Met)

Gene: PLEC (plectin; minus strand). Cytogenetic location: 8q24.3.
Variant type: single nucleotide variant.
Coding change: c.793G>A on transcript NM_201384.3 (MANE Select); coding-DNA position 793, G replaced by A.
Protein change: p.Val265Met; replaces valine 265 with methionine.
Molecular consequence: missense variant.
Genome position (GRCh38, 1-based): chr8:143,935,043, C>T on the plus strand (G>A on the coding strand, the complement: PLEC is on the minus strand). VCF-style: chr8-143935043-C-T. GRCh37 (hg19) VCF-style: chr8-145009211-C-T.
Other names: c.874G>A (NM_000445.3, NM_000445.4); c.874G>A, p.Val292Met (NM_000445.5); c.751G>A, p.Val251Met (NM_201378.4); c.727G>A, p.Val243Met (NM_201379.3); c.1204G>A, p.Val402Met (NM_201380.4); c.697G>A, p.Val233Met (NM_201381.3); c.793G>A, p.Val265Met (NM_201382.4); c.805G>A, p.Val269Met (NM_201383.3); short protein forms V233M, V243M, V251M, V265M, V269M, V292M, V402M.
Identifiers: ClinVar variation 199024 (VCV000199024.12), dbSNP rs376947863, ClinGen allele CA247981.